The following is an entry in ClinVar:

NM_001127644.2(GABRA1):c.-19_-18del

Gene: GABRA1 (gamma-aminobutyric acid type A receptor subunit alpha1; plus strand). Cytogenetic location: 5q34.
Variant type: Deletion.
Coding change: c.-19_-18del on transcript NM_001127644.2 (MANE Select); 19 bases upstream of the start codon through 18 bases upstream of the start codon, 2 bases deleted (TT; older notation c.-19_-18delTT).
Molecular consequence: 5 prime UTR variant.
Genome position (GRCh38, 1-based): chr5:161,848,419-161,848,420, TT deleted. VCF-style (leftmost placement, unchanged base first): chr5-161848418-CTT-C. GRCh37 (hg19) VCF-style: chr5-161275424-CTT-C.
Other names: c.-19_-18del (NM_000806.5, NM_001127643.2); c.-19_-18delTT (NM_000806.5).
Identifiers: ClinVar variation 420983 (VCV000420983.1), dbSNP rs1064794832, ClinGen allele CA16618153.

ClinVar aggregate classification (germline): Likely benign (1 of 4 stars; one submission).

Submission:

GeneDx
Classification: Likely benign. Last evaluated: 2016-04-28. Review status: criteria provided, single submitter. Criteria: GeneDx Variant Classification (06012015). Collection method: clinical testing. Allele origin: germline. Affected: yes.
Comment: This variant is considered likely benign or benign based on one or more of the following criteria: it is a conservative change, it occurs at a poorly conserved position in the protein, it is predicted to be benign by multiple in silico algorithms, and/or has population frequency not consistent with disease.